The following is an entry in ClinVar:

NM_006231.4(POLE):c.6497A>G (p.Asp2166Gly)

Gene: POLE (DNA polymerase epsilon, catalytic subunit; minus strand). Cytogenetic location: 12q24.33.
Variant type: single nucleotide variant.
Coding change: c.6497A>G on transcript NM_006231.4 (MANE Select); coding-DNA position 6497, A replaced by G.
Protein change: p.Asp2166Gly; replaces aspartic acid 2166 with glycine.
Molecular consequence: missense variant.
Genome position (GRCh38, 1-based): chr12:132,626,151, T>C on the plus strand (A>G on the coding strand, the complement: POLE is on the minus strand). VCF-style: chr12-132626151-T-C. GRCh37 (hg19) VCF-style: chr12-133202737-T-C.
Other names: short protein forms D2166G.
Identifiers: ClinVar variation 1009888 (VCV001009888.8), dbSNP rs2041833886, ClinGen allele CA387367252.
Genomic context (GRCh38, chr12:132,626,151, plus strand): 5'-AAGGGCCCGCTGGAGCTCAGCCGCACCTCTGAGAAGGAAGAGTCTTTACACAGGTCCAGG[T>C]CGCGGCAGAAGTTACAGCTGCGGCAGATGACCTCAGGAAGCACGTAGGAGCGGCAGGGGT-3'
Protein context (NP_006222.2, residues 2156-2176): VICRSCNFCR[Asp2166Gly]LDLCKDSSFS

ClinVar aggregate classification (germline): Uncertain significance (1 of 4 stars; one submission).

Allele frequency attached by ClinVar (database versions not stated): gnomAD exomes below 0.00001.
gnomAD v4.1: 1 of 1,608,560 alleles (0.000062%); highest among the groups gnomAD compares: Non-Finnish European, 0.000085%; no homozygotes.

Submission:

Labcorp Genetics (formerly Invitae), Labcorp
Classification: Uncertain significance. Last evaluated: 2020-09-23. Review status: criteria provided, single submitter. Criteria: Invitae Variant Classification Sherloc (09022015). Collection method: clinical testing. Allele origin: germline.
Comment: In summary, the available evidence is currently insufficient to determine the role of this variant in disease. Therefore, it has been classified as a Variant of Uncertain Significance. Algorithms developed to predict the effect of missense changes on protein structure and function are either unavailable or do not agree on the potential impact of this missense change (SIFT: "Deleterious"; PolyPhen-2: "Probably Damaging"; Align-GVGD: "Class C0"). This variant has not been reported in the literature in individuals with POLE-related conditions. This variant is not present in population databases (ExAC no frequency). This sequence change replaces aspartic acid with glycine at codon 2166 of the POLE protein (p.Asp2166Gly). The aspartic acid residue is highly conserved and there is a moderate physicochemical difference between aspartic acid and glycine.